The following is an entry in ClinVar:

NM_152381.6(XIRP2):c.3484G>A (p.Val1162Ile)

Gene: XIRP2 (xin actin binding repeat containing 2; plus strand). Cytogenetic location: 2q24.3.
Variant type: single nucleotide variant.
Coding change: c.3484G>A on transcript NM_152381.6 (MANE Select); coding-DNA position 3484, G replaced by A.
Protein change: p.Val1162Ile; replaces valine 1162 with isoleucine.
Molecular consequence: missense variant. On other transcripts: intron variant (3).
Genome position (GRCh38, 1-based): chr2:167,244,876, G>A. VCF-style: chr2-167244876-G-A. GRCh37 (hg19) VCF-style: chr2-168101386-G-A.
Other names: c.2818G>A, p.Val940Ile (NM_001199144.2); c.1275+2966G>A (NM_001199143.2); c.1176+2966G>A (NM_001079810.4); c.510+2966G>A (NM_001199145.2); short protein forms V1162I, V940I.
Identifiers: ClinVar variation 3055561 (VCV003055561.2), dbSNP rs76672761, ClinGen allele CA1946858.

ClinVar aggregate classification (germline): Benign (0 of 4 stars; one submission).

Conditions:
XIRP2-related disorder. Also called: XIRP2-related condition.

Allele frequency attached by ClinVar (database versions not stated): 1000 Genomes Project 0.00799; 1000 Genomes Project 30x 0.00890; gnomAD 0.01465; ExAC 0.01545; TOPMed 0.01554; ESP Exome Variant Server 0.01656.
gnomAD v4.1: 35,090 of 1,613,640 alleles (2.2%); highest among the groups gnomAD compares: Non-Finnish European, 2.6%; 500 homozygotes.

Submission:

PreventionGenetics, part of Exact Sciences
Classification: Benign for XIRP2-related condition. Last evaluated: 2019-05-06. Review status: no assertion criteria provided. Collection method: clinical testing. Allele origin: germline.
Comment: This variant is classified as benign based on ACMG/AMP sequence variant interpretation guidelines (Richards et al. 2015 PMID: 25741868, with internal and published modifications).